The following is an entry in ClinVar:

NM_001384140.1(PCDH15):c.1099G>T (p.Ala367Ser)

Gene: PCDH15 (protocadherin related 15; minus strand). Cytogenetic location: 10q21.1.
Variant type: single nucleotide variant.
Coding change: c.1099G>T on transcript NM_001384140.1 (MANE Select); coding-DNA position 1099, G replaced by T.
Protein change: p.Ala367Ser; replaces alanine 367 with serine.
Molecular consequence: missense variant.
Genome position (GRCh38, 1-based): chr10:54,195,889, C>A on the plus strand (G>T on the coding strand, the complement: PCDH15 is on the minus strand). VCF-style: chr10-54195889-C-A. GRCh37 (hg19) VCF-style: chr10-55955649-C-A.
Other names: c.1099G>T (NM_033056.3); c.1114G>T, p.Ala372Ser (NM_001142763.2, NM_001142769.4, NM_001142771.2); c.1099G>T, p.Ala367Ser (NM_001142764.2, NM_001142765.2, NM_001142766.2 and 7 more transcripts); c.988G>T, p.Ala330Ser (NM_001142767.2); c.1033G>T, p.Ala345Ser (NM_001142768.2, NM_001142773.2, NM_001354404.2); short protein forms A345S, A330S, A367S, A372S.
Identifiers: ClinVar variation 1036277 (VCV001036277.5), dbSNP rs199537944, ClinGen allele CA5506484.

ClinVar aggregate classification (germline): Conflicting classifications of pathogenicity. Review status: criteria provided, conflicting classifications (1 of 4 stars). 3 submissions from 3 submitters: Uncertain significance (1); Likely benign (1). 1 of the submissions does not count toward it. Last evaluated 2026-01-20.

Conditions:
Usher syndrome type 1F (USH1F). Also called: USHER SYNDROME, TYPE IF. Identifiers: Orphanet 231169, Orphanet 886, MedGen C1865885, MONDO:0011186, OMIM 602083.

Allele frequency attached by ClinVar (database versions not stated): gnomAD 0.00002; TOPMed 0.00004.
gnomAD v4.1: 26 of 1,612,520 alleles (0.0016%); highest among the groups gnomAD compares: Non-Finnish European, 0.00017%; no homozygotes.

Submissions (3):

Labcorp Genetics (formerly Invitae), Labcorp
Classification: Likely benign. Last evaluated: 2026-01-20. Review status: criteria provided, single submitter. Criteria: Invitae Variant Classification Sherloc (09022015). Collection method: clinical testing. Allele origin: germline.

GeneDx
Classification: Uncertain significance. Last evaluated: 2024-01-05. Review status: criteria provided, single submitter. Criteria: GeneDx Variant Classification Process June 2021. Collection method: clinical testing. Allele origin: germline. Affected: yes.
Comment: In silico analysis supports that this missense variant has a deleterious effect on protein structure/function; Has not been previously published as pathogenic or benign to our knowledge

Natera, Inc.
Classification: Uncertain significance for Usher syndrome type 1F. Last evaluated: 2020-02-13. Review status: no assertion criteria provided. Collection method: clinical testing. Allele origin: germline. Not counted in ClinVar's aggregate classification.